The following is an entry in ClinVar:

ClinVar aggregate classification (germline): Likely benign. Review status: criteria provided, single submitter (1 of 4 stars). 2 submissions from 2 submitters: Likely benign (1). 1 of the submissions does not count toward it. Last evaluated 2025-08-06.

Conditions:
GNB3-related condition.

Allele frequency attached by ClinVar (database versions not stated): gnomAD exomes 0.00001 and 0.00004; gnomAD 0.00005; ExAC 0.00006; TOPMed 0.00010; ESP Exome Variant Server 0.00015; 1000 Genomes Project 30x 0.00016; 1000 Genomes Project 0.00020.
gnomAD v4.1: 17 of 1,614,052 alleles (0.0011%); highest among the groups gnomAD compares: African/African-American, 0.017%; 1 homozygote.

Submissions (2):

Labcorp Genetics (formerly Invitae), Labcorp
Classification: Likely benign. Last evaluated: 2025-08-06. Review status: criteria provided, single submitter. Criteria: Invitae Variant Classification Sherloc (09022015). Collection method: clinical testing. Allele origin: germline.

PreventionGenetics, part of Exact Sciences
Classification: Likely benign for GNB3-related condition. Last evaluated: 2024-06-26. Review status: no assertion criteria provided. Collection method: clinical testing. Allele origin: germline. Not counted in ClinVar's aggregate classification.
Comment: This variant is classified as likely benign based on ACMG/AMP sequence variant interpretation guidelines (Richards et al. 2015 PMID: 25741868, with internal and published modifications).

NM_002075.4(GNB3):c.504G>A (p.Leu168=)

Gene: GNB3 (G protein subunit beta 3; plus strand). Cytogenetic location: 12p13.31.
Variant type: single nucleotide variant.
Coding change: c.504G>A on transcript NM_002075.4 (MANE Select); coding-DNA position 504, G replaced by A.
Protein change: p.Leu168=; no amino-acid change (leucine 168 retained).
Molecular consequence: synonymous variant.
Genome position (GRCh38, 1-based): chr12:6,843,783, G>A. VCF-style: chr12-6843783-G-A. GRCh37 (hg19) VCF-style: chr12-6952947-G-A.
Other names: c.501G>A, p.Leu167= (NM_001297571.2); c.504G>A (NM_002075.3).
Identifiers: ClinVar variation 1112286 (VCV001112286.10), dbSNP rs138319468, ClinGen allele CA6417571.
Genomic context (GRCh38, chr12:6,843,783, plus strand): 5'-GGGGCTTGGGAGTGGGCCCGGCCTTTCTCTAACAGTCTCCCTCCATTTTGGCAGTGCCTT[G>A]TGGGACATTGAGACTGGGCAGCAGAAGACTGTATTTGTGGGACACACGGGTGACTGCATG-3'
Protein context (NP_002066.1, residues 158-178): VTSSGDTTCA[Leu168=]WDIETGQQKT